The following is an entry in ClinVar:

ClinVar aggregate classification (germline): Pathogenic (1 of 4 stars; one submission).

Conditions:
Familial thoracic aortic aneurysm and aortic dissection (TAAD). Also called: Thoracic aortic aneurysms and dissections. Identifiers: Orphanet 91387, MedGen C4707243, MONDO:0019625.

Submission:

Ambry Genetics
Classification: Pathogenic for Familial thoracic aortic aneurysm and aortic dissection. Last evaluated: 2016-06-06. Review status: criteria provided, single submitter. Criteria: Ambry Variant Classification Scheme 2023. Collection method: clinical testing. Allele origin: germline.
Comment: The p.C186* pathogenic mutation (also known as c.558T>A), located in coding exon 6 of the FBN1 gene, results from a T to A substitution at nucleotide position 558. This changes the amino acid from a cysteine to a stop codon within coding exon 6. This alteration is expected to result in loss of function by premature protein truncation or nonsense-mediated mRNA decay. As such, this alteration is interpreted as a disease-causing mutation.

NM_000138.5(FBN1):c.558T>A (p.Cys186Ter)

Gene: FBN1 (fibrillin 1; minus strand). Cytogenetic location: 15q21.1.
Variant type: single nucleotide variant.
Coding change: c.558T>A on transcript NM_000138.5 (MANE Select); coding-DNA position 558, T replaced by A.
Protein change: p.Cys186Ter; replaces cysteine 186 with a stop codon.
Molecular consequence: nonsense.
Genome position (GRCh38, 1-based): chr15:48,537,789, A>T on the plus strand (T>A on the coding strand, the complement: FBN1 is on the minus strand). VCF-style: chr15-48537789-A-T. GRCh37 (hg19) VCF-style: chr15-48829986-A-T.
Other names: short protein forms C186*.
Identifiers: ClinVar variation 519718 (VCV000519718.5), dbSNP rs1555401699, ClinGen allele CA392446160.